The following is an entry in ClinVar:

NM_015378.4(VPS13D):c.5860C>T (p.Arg1954Trp)

Gene: VPS13D (vacuolar protein sorting 13 homolog D; plus strand). Cytogenetic location: 1p36.22.
Variant type: single nucleotide variant.
Coding change: c.5860C>T on transcript NM_015378.4 (MANE Select); coding-DNA position 5860, C replaced by T.
Protein change: p.Arg1954Trp; replaces arginine 1954 with tryptophan.
Molecular consequence: missense variant.
Genome position (GRCh38, 1-based): chr1:12,293,531, C>T. VCF-style: chr1-12293531-C-T. GRCh37 (hg19) VCF-style: chr1-12353588-C-T.
Other names: p.Arg1954Trp; c.5860C>T, p.Arg1954Trp (NM_018156.4); short protein forms R1954W.
Identifiers: ClinVar variation 2271997 (VCV002271997.3), dbSNP rs937587276, ClinGen allele CA18055911.

ClinVar aggregate classification (germline): Uncertain significance. Review status: criteria provided, multiple submitters, no conflicts (2 of 4 stars). 2 submissions from 2 submitters: Uncertain significance (2). Last evaluated 2023-05-10.

Conditions:
Inborn genetic diseases. Identifiers: MedGen C0950123, MeSH D030342.

Allele frequency attached by ClinVar (database versions not stated): TOPMed 0.00001.
gnomAD v4.1: 10 of 1,599,176 alleles (0.00063%); highest among the groups gnomAD compares: Admixed American, 0.0017%; no homozygotes.

Submissions (2):

Mayo Clinic Laboratories, Mayo Clinic
Classification: Uncertain significance. Last evaluated: 2023-05-10. Review status: criteria provided, single submitter. Criteria: ACMG Guidelines, 2015. Collection method: clinical testing. Allele origin: germline. Observed: 1 variant allele.
Comment: BP4, PM2

Ambry Genetics
Classification: Uncertain significance for Inborn genetic diseases. Last evaluated: 2022-01-18. Review status: criteria provided, single submitter. Criteria: Ambry Variant Classification Scheme 2023. Collection method: clinical testing. Allele origin: germline.